The following is an entry in ClinVar:

NM_001194998.2(CEP152):c.3299A>G (p.Asp1100Gly)

Gene: CEP152 (centrosomal protein 152; minus strand). Cytogenetic location: 15q21.1.
Variant type: single nucleotide variant.
Coding change: c.3299A>G on transcript NM_001194998.2 (MANE Select); coding-DNA position 3299, A replaced by G.
Protein change: p.Asp1100Gly; replaces aspartic acid 1100 with glycine.
Molecular consequence: missense variant.
Genome position (GRCh38, 1-based): chr15:48,755,949, T>C on the plus strand (A>G on the coding strand, the complement: CEP152 is on the minus strand). VCF-style: chr15-48755949-T-C. GRCh37 (hg19) VCF-style: chr15-49048146-T-C.
Other names: c.3299A>G, p.Asp1100Gly (NM_014985.4); c.3299A>G (NM_014985.3); short protein forms D1100G.
Identifiers: ClinVar variation 1450614 (VCV001450614.6), dbSNP rs773323076, ClinGen allele CA7548393.

ClinVar aggregate classification (germline): Uncertain significance. Review status: criteria provided, multiple submitters, no conflicts (2 of 4 stars). 2 submissions from 2 submitters: Uncertain significance (2). Last evaluated 2025-04-24.

Conditions:
Inborn genetic diseases. Identifiers: MedGen C0950123, MeSH D030342.

Allele frequency attached by ClinVar (database versions not stated): gnomAD exomes 0.00003 and 0.00005; gnomAD 0.00005 and 0.00006; TOPMed 0.00008; ExAC 0.00002.
gnomAD v4.1: 53 of 1,613,944 alleles (0.0033%); highest among the groups gnomAD compares: Admixed American, 0.022%; no homozygotes.

Submissions (2):

Ambry Genetics
Classification: Uncertain significance for Inborn genetic diseases. Last evaluated: 2025-04-24. Review status: criteria provided, single submitter. Criteria: Ambry Variant Classification Scheme 2023. Collection method: clinical testing. Allele origin: germline.

Labcorp Genetics (formerly Invitae), Labcorp
Classification: Uncertain significance. Last evaluated: 2022-08-09. Review status: criteria provided, single submitter. Criteria: Invitae Variant Classification Sherloc (09022015). Collection method: clinical testing. Allele origin: germline.
Comment: This sequence change replaces aspartic acid, which is acidic and polar, with glycine, which is neutral and non-polar, at codon 1100 of the CEP152 protein (p.Asp1100Gly). This variant is present in population databases (rs773323076, gnomAD 0.03%). This variant has not been reported in the literature in individuals affected with CEP152-related conditions. ClinVar contains an entry for this variant (Variation ID: 1450614). Algorithms developed to predict the effect of missense changes on protein structure and function output the following: SIFT: "Tolerated"; PolyPhen-2: "Benign"; Align-GVGD: "Class C0". The glycine amino acid residue is found in multiple mammalian species, which suggests that this missense change does not adversely affect protein function. Algorithms developed to predict the effect of sequence changes on RNA splicing suggest that this variant may create or strengthen a splice site. In summary, the available evidence is currently insufficient to determine the role of this variant in disease. Therefore, it has been classified as a Variant of Uncertain Significance.